The following is an entry in ClinVar:

ClinVar aggregate classification (germline): Uncertain significance (1 of 4 stars; one submission).

gnomAD v4.1: 6 of 1,613,268 alleles (0.00037%); highest among the groups gnomAD compares: Middle Eastern, 0.016%; no homozygotes.

Submission:

Labcorp Genetics (formerly Invitae), Labcorp
Classification: Uncertain significance. Last evaluated: 2024-10-21. Review status: criteria provided, single submitter. Criteria: Invitae Variant Classification Sherloc (09022015). Collection method: clinical testing. Allele origin: germline.
Comment: This sequence change replaces serine, which is neutral and polar, with glycine, which is neutral and non-polar, at codon 111 of the CACNA2D4 protein (p.Ser111Gly). This variant is present in population databases (no rsID available, gnomAD 0.003%). This variant has not been reported in the literature in individuals affected with CACNA2D4-related conditions. An algorithm developed to predict the effect of missense changes on protein structure and function (PolyPhen-2) suggests that this variant is likely to be tolerated. In summary, the available evidence is currently insufficient to determine the role of this variant in disease. Therefore, it has been classified as a Variant of Uncertain Significance.

NM_172364.5(CACNA2D4):c.331A>G (p.Ser111Gly)

Gene: CACNA2D4 (calcium voltage-gated channel auxiliary subunit alpha2delta 4; minus strand). Cytogenetic location: 12p13.33.
Variant type: single nucleotide variant.
Coding change: c.331A>G on transcript NM_172364.5 (MANE Select); coding-DNA position 331, A replaced by G.
Protein change: p.Ser111Gly; replaces serine 111 with glycine.
Molecular consequence: missense variant.
Genome position (GRCh38, 1-based): chr12:1,913,118, T>C on the plus strand (A>G on the coding strand, the complement: CACNA2D4 is on the minus strand). VCF-style: chr12-1913118-T-C. GRCh37 (hg19) VCF-style: chr12-2022284-T-C.
Other names: short protein forms S111G.
Identifiers: ClinVar variation 3622123 (VCV003622123.2).